The following is an entry in ClinVar:

NM_005215.4(DCC):c.3056A>G (p.Tyr1019Cys)

Gene: DCC (DCC netrin 1 receptor; plus strand). Cytogenetic location: 18q21.2.
Variant type: single nucleotide variant.
Coding change: c.3056A>G on transcript NM_005215.4 (MANE Select); coding-DNA position 3056, A replaced by G.
Protein change: p.Tyr1019Cys; replaces tyrosine 1019 with cysteine.
Molecular consequence: missense variant.
Genome position (GRCh38, 1-based): chr18:53,410,572, A>G. VCF-style: chr18-53410572-A-G. GRCh37 (hg19) VCF-style: chr18-50936942-A-G.
Other names: short protein forms Y1019C.
Identifiers: ClinVar variation 2579758 (VCV002579758.1), dbSNP rs2511385997, ClinGen allele CA402473120.
Genomic context (GRCh38, chr18:53,410,572, plus strand): 5'-CAATCAGTGGTGATAGGCTTACTCATCAAATCATGGATCTCAACCTTGATACTATGTATT[A>G]CTTTCGAATTCAAGCACGAAATTCAAAAGGAGTGGGGCCACTCTCTGATCCTATCCTCTT-3'
Protein context (NP_005206.2, residues 1009-1029): IMDLNLDTMY[Tyr1019Cys]FRIQARNSKG

ClinVar aggregate classification (germline): Uncertain significance (1 of 4 stars; one submission).

Submission:

GeneDx
Classification: Uncertain significance. Last evaluated: 2023-03-14. Review status: criteria provided, single submitter. Criteria: GeneDx Variant Classification Process June 2021. Collection method: clinical testing. Allele origin: germline. Affected: yes.
Comment: Not observed at significant frequency in large population cohorts (gnomAD); In silico analysis supports that this missense variant has a deleterious effect on protein structure/function; Has not been previously published as pathogenic or benign to our knowledge